The following is an entry in ClinVar:

ClinVar aggregate classification (germline): Pathogenic (1 of 4 stars; one submission).

Conditions:
Hereditary cancer-predisposing syndrome. Also called: Neoplastic Syndromes, Hereditary; Tumor predisposition; Hereditary Cancer Syndrome; Hereditary neoplastic syndrome. Identifiers: Orphanet 140162, MedGen C0027672, MeSH D009386, MONDO:0015356.
Cardiovascular phenotype. Identifiers: MedGen CN230736.

Submission:

Ambry Genetics
Classification: Pathogenic for Cardiovascular phenotype; Hereditary cancer-predisposing syndrome. Last evaluated: 2020-09-10. Review status: criteria provided, single submitter. Criteria: Ambry Variant Classification Scheme 2023. Collection method: clinical testing. Allele origin: germline.
Comment: The c.3604_3616del13 pathogenic mutation, located in coding exon 27 of the NF1 gene, results from a deletion of 13 nucleotides at nucleotide positions 3604 to 3616, causing a translational frameshift with a predicted alternate stop codon (p.A1202Rfs*9). This alteration is expected to result in loss of function by premature protein truncation or nonsense-mediated mRNA decay. As such, this alteration is interpreted as a disease-causing mutation.

NM_001042492.3(NF1):c.3604_3616del (p.Ala1202fs)

Gene: NF1 (neurofibromin 1; plus strand). Cytogenetic location: 17q11.2.
Variant type: Deletion.
Coding change: c.3604_3616del on transcript NM_001042492.3 (MANE Select); coding-DNA positions 3604 to 3616, 13 bases deleted (GCTGATCGGTTTG).
Protein change: p.Ala1202fs; shifts the reading frame from alanine 1202.
Molecular consequence: frameshift variant.
Genome position (GRCh38, 1-based): chr17:31,233,109-31,233,121, GCTGATCGGTTTG deleted; deleting any 13 consecutive bases within chr17:31,233,106-31,233,121 gives the same sequence; the c. name uses the placement nearest the transcript's 3' end. VCF-style (leftmost placement, unchanged base first): chr17-31233105-ATTGGCTGATCGGT-A. GRCh37 (hg19) VCF-style: chr17-29560123-ATTGGCTGATCGGT-A.
Other names: c.3604_3616delGCTGATCGGTTTG, p.Ala1202Argfs (NM_000267.4); c.3604_3616del13 (NM_000267.3); short protein forms A1202fs.
Identifiers: ClinVar variation 1733134 (VCV001733134.2), dbSNP rs2508239202, ClinGen allele CA2580093084.
Genomic context (GRCh38, chr17:31,233,105, plus strand): 5'-GGAAGTTCTGACAAAAATCCTTCAACAAGGCACAGAATTTGACACACTTGCAGAAACAGT[ATTGGCTGATCGGT>A]TTGAGAGATTGGTGGAACTGGTCACAATGATGGGTGATCAAGGAGAACTCCCTATAGCGA-3'